The following is an entry in ClinVar:

NM_007215.4(POLG2):c.73G>A (p.Val25Ile)

Genes: MILR1 (mast cell immunoglobulin like receptor 1; plus strand), POLG2 (DNA polymerase gamma 2, accessory subunit; minus strand). Cytogenetic location: 17q23.3.
Variant type: single nucleotide variant.
Coding change: c.73G>A on transcript NM_007215.4 (MANE Select); coding-DNA position 73, G replaced by A.
Protein change: p.Val25Ile; replaces valine 25 with isoleucine.
Molecular consequence: missense variant.
Genome position (GRCh38, 1-based): chr17:64,496,896, C>T on the plus strand (G>A on the coding strand, the complement: POLG2 is on the minus strand). VCF-style: chr17-64496896-C-T. GRCh37 (hg19) VCF-style: chr17-62493014-C-T.
Other names: short protein forms V25I.
Identifiers: ClinVar variation 1957275 (VCV001957275.5), dbSNP rs782553388, ClinGen allele CA8713095.

ClinVar aggregate classification (germline): Uncertain significance (1 of 4 stars; one submission).

Allele frequency attached by ClinVar (database versions not stated): TOPMed below 0.00001; ExAC 0.00001; gnomAD exomes below 0.00001.
gnomAD v4.1: 2 of 1,613,246 alleles (0.00012%); highest among the groups gnomAD compares: Non-Finnish European, 0.00017%; no homozygotes.

Submission:

Labcorp Genetics (formerly Invitae), Labcorp
Classification: Uncertain significance. Last evaluated: 2022-01-06. Review status: criteria provided, single submitter. Criteria: Invitae Variant Classification Sherloc (09022015). Collection method: clinical testing. Allele origin: germline.
Comment: In summary, the available evidence is currently insufficient to determine the role of this variant in disease. Therefore, it has been classified as a Variant of Uncertain Significance. Algorithms developed to predict the effect of missense changes on protein structure and function output the following: SIFT: "Tolerated"; PolyPhen-2: "Benign"; Align-GVGD: "Class C0". The isoleucine amino acid residue is found in multiple mammalian species, which suggests that this missense change does not adversely affect protein function. This variant has not been reported in the literature in individuals affected with POLG2-related conditions. This variant is present in population databases (rs782553388, gnomAD 0.0009%). This sequence change replaces valine, which is neutral and non-polar, with isoleucine, which is neutral and non-polar, at codon 25 of the POLG2 protein (p.Val25Ile).